The following is an entry in ClinVar:

NM_000245.4(MET):c.1168T>G (p.Tyr390Asp)

Gene: MET (MET proto-oncogene, receptor tyrosine kinase; plus strand). Cytogenetic location: 7q31.2.
Variant type: single nucleotide variant.
Coding change: c.1168T>G on transcript NM_000245.4 (MANE Select); coding-DNA position 1168, T replaced by G.
Protein change: p.Tyr390Asp; replaces tyrosine 390 with aspartic acid.
Molecular consequence: missense variant. On other transcripts: intron variant (1).
Genome position (GRCh38, 1-based): chr7:116,700,252, T>G. VCF-style: chr7-116700252-T-G. GRCh37 (hg19) VCF-style: chr7-116340306-T-G.
Other names: c.1168T>G, p.Tyr390Asp (NM_001127500.3, NM_001324401.3); c.-91+27675T>G (NM_001324402.2); short protein forms Y390D.
Identifiers: ClinVar variation 4053932 (VCV004053932.1).

ClinVar aggregate classification (germline): Uncertain significance (1 of 4 stars; one submission).

Conditions:
Hereditary cancer-predisposing syndrome. Also called: Neoplastic Syndromes, Hereditary; Tumor predisposition; Hereditary neoplastic syndrome; Hereditary Cancer Syndrome. Identifiers: Orphanet 140162, MedGen C0027672, MeSH D009386, MONDO:0015356.

gnomAD v4.1: 1 of 1,602,862 alleles (0.000062%); highest among the groups gnomAD compares: African/African-American, 0.0013%; no homozygotes.

Submission:

Ambry Genetics
Classification: Uncertain significance for Hereditary cancer-predisposing syndrome. Last evaluated: 2025-03-30. Review status: criteria provided, single submitter. Criteria: Ambry Variant Classification Scheme 2023. Collection method: clinical testing. Allele origin: germline.
Comment: The p.Y390D variant (also known as c.1168T>G), located in coding exon 1 of the MET gene, results from a T to G substitution at nucleotide position 1168. The tyrosine at codon 390 is replaced by aspartic acid, an amino acid with highly dissimilar properties. This amino acid position is conserved. In addition, the in silico prediction for this alteration is inconclusive. Based on the available evidence, the clinical significance of this variant remains unclear.